The following is an entry in ClinVar:

ClinVar aggregate classification (germline): Uncertain significance (0 of 4 stars; one submission).

Conditions:
SH3KBP1-related disorder. Also called: SH3KBP1-related condition.

Allele frequency attached by ClinVar (database versions not stated): gnomAD exomes 0.00001; ExAC 0.00002; TOPMed 0.00002.
gnomAD v4.1: 7 of 1,209,224 alleles (0.00058%); highest among the groups gnomAD compares: African/African-American, 0.0017%; no homozygotes.

Submission:

PreventionGenetics, part of Exact Sciences
Classification: Uncertain significance for SH3KBP1-related condition. Last evaluated: 2024-02-01. Review status: no assertion criteria provided. Collection method: clinical testing. Allele origin: germline.
Comment: The SH3KBP1 c.1331C>T variant is predicted to result in the amino acid substitution p.Pro444Leu. To our knowledge, this variant has not been reported in the literature. This variant is reported in 0.0025% of alleles in individuals of European (Non-Finnish) descent in gnomAD. At this time, the clinical significance of this variant is uncertain due to the absence of conclusive functional and genetic evidence.

NM_031892.3(SH3KBP1):c.1256C>T (p.Pro419Leu)

Gene: SH3KBP1 (SH3 domain containing kinase binding protein 1; minus strand). Cytogenetic location: Xp22.12.
Variant type: single nucleotide variant.
Coding change: c.1256C>T on transcript NM_031892.3 (MANE Select); coding-DNA position 1256, C replaced by T.
Protein change: p.Pro419Leu; replaces proline 419 with leucine.
Molecular consequence: missense variant.
Genome position (GRCh38, 1-based): chrX:19,588,685, G>A on the plus strand (C>T on the coding strand, the complement: SH3KBP1 is on the minus strand). VCF-style: chrX-19588685-G-A. GRCh37 (hg19) VCF-style: chrX-19606803-G-A.
Other names: c.1145C>T, p.Pro382Leu (NM_001024666.3); c.542C>T, p.Pro181Leu (NM_001184960.2, NM_001353897.2); c.1256C>T, p.Pro419Leu (NM_001353890.2); c.1331C>T, p.Pro444Leu (NM_001353891.2, NM_001353892.2); c.1154C>T, p.Pro385Leu (NM_001353893.2, NM_001353894.2); c.1211C>T, p.Pro404Leu (NM_001353895.2); c.1388C>T, p.Pro463Leu (NM_001410756.1, NM_001410757.1); c.1079C>T, p.Pro360Leu (NM_001410758.1); short protein forms P181L, P360L, P382L, P385L, P404L, P419L, P444L, P463L.
Identifiers: ClinVar variation 3032030 (VCV003032030.2), dbSNP rs752483118, ClinGen allele CA10364615.